The following is an entry in ClinVar:

NM_005896.4(IDH1):c.386T>G (p.Ile129Ser)

Gene: IDH1 (isocitrate dehydrogenase (NADP(+)) 1; minus strand). Cytogenetic location: 2q34.
Variant type: single nucleotide variant.
Coding change: c.386T>G on transcript NM_005896.4 (MANE Select); coding-DNA position 386, T replaced by G.
Protein change: p.Ile129Ser; replaces isoleucine 129 with serine.
Molecular consequence: missense variant.
Genome position (GRCh38, 1-based): chr2:208,248,397, A>C on the plus strand (T>G on the coding strand, the complement: IDH1 is on the minus strand). VCF-style: chr2-208248397-A-C. GRCh37 (hg19) VCF-style: chr2-209113121-A-C.
Other names: c.386T>G, p.Ile129Ser (NM_001282386.1, NM_001282387.1); short protein forms I129S.
Identifiers: ClinVar variation 1735697 (VCV001735697.2), dbSNP rs2124862705, ClinGen allele CA350101055.

ClinVar aggregate classification (germline): Uncertain significance (1 of 4 stars; one submission).

Allele frequency attached by ClinVar (database versions not stated): gnomAD exomes below 0.00001.
gnomAD v4.1: 2 of 1,614,036 alleles (0.00012%); highest among the groups gnomAD compares: Non-Finnish European, 0.000085%; no homozygotes.

Submission:

Ambry Genetics
Classification: Uncertain significance. Last evaluated: 2021-10-20. Review status: criteria provided, single submitter. Criteria: Ambry Variant Classification Scheme 2023. Collection method: clinical testing. Allele origin: germline.
Comment: The p.I129S variant (also known as c.386T>G), located in coding exon 2 of the IDH1 gene, results from a T to G substitution at nucleotide position 386. The isoleucine at codon 129 is replaced by serine, an amino acid with dissimilar properties. This amino acid position is conserved. In addition, this alteration is predicted to be deleterious by in silico analysis. Since supporting evidence is limited at this time, the clinical significance of this alteration remains unclear.